The following is an entry in ClinVar:

ClinVar aggregate classification (germline): Benign. Review status: criteria provided, multiple submitters, no conflicts (2 of 4 stars). 3 submissions from 2 submitters: Benign (3). Last evaluated 2018-01-13.

Conditions:
Autosomal recessive nonsyndromic hearing loss 7. Also called: DEAFNESS, AUTOSOMAL RECESSIVE 11. Identifiers: Orphanet 90636, MedGen C1832978, MONDO:0010967, OMIM 600974.
Autosomal dominant nonsyndromic hearing loss 36. Identifiers: Orphanet 90635, MedGen C1847626, MONDO:0011708, OMIM 606705.

Allele frequency attached by ClinVar (database versions not stated): 1000 Genomes Project 0.53954; 1000 Genomes Project 30x 0.54966; gnomAD 0.55298 and 0.55869; TOPMed 0.56842; gnomAD exomes 0.62500.
gnomAD v4.1: 83,597 of 151,232 alleles (55%); highest among the groups gnomAD compares: African/African-American, 74%; 24,206 homozygotes.

Submissions (3):

Illumina Laboratory Services, Illumina
Classification: Benign for Autosomal recessive nonsyndromic hearing loss 7. Last evaluated: 2018-01-13. Review status: criteria provided, single submitter. Criteria: ICSL Variant Classification Criteria 13 December 2019. Collection method: clinical testing. Allele origin: germline.
Comment: This variant was observed in the ICSL laboratory as part of a predisposition screen in an ostensibly healthy population. It had not been previously curated by ICSL or reported in the Human Gene Mutation Database (HGMD: prior to June 1st, 2018), and was therefore a candidate for classification through an automated scoring system. Utilizing variant allele frequency, disease prevalence and penetrance estimates, and inheritance mode, an automated score was calculated to assess if this variant is too frequent to cause the disease. Based on the score and internal cut-off values, a variant classified as benign is not then subjected to further curation. The score for this variant resulted in a classification of benign for this disease.

Illumina Laboratory Services, Illumina
Classification: Benign for Autosomal dominant nonsyndromic hearing loss 36. Last evaluated: 2018-01-13. Review status: criteria provided, single submitter. Criteria: ICSL Variant Classification Criteria 13 December 2019. Collection method: clinical testing. Allele origin: germline.
Comment: the same text as in the submission from Illumina Laboratory Services, Illumina above.

Breakthrough Genomics
Classification: Benign. Review status: criteria provided, single submitter. Criteria: ACMG Guidelines, 2015. Collection method: not provided. Allele origin: germline. Inheritance: Autosomal recessive inheritance. Affected: yes.

NM_138691.3(TMC1):c.-219A>G

Gene: TMC1 (transmembrane channel like 1; plus strand). Cytogenetic location: 9q21.13.
Variant type: single nucleotide variant.
Coding change: c.-219A>G on transcript NM_138691.3 (MANE Select); 219 bases upstream of the start codon, A replaced by G.
Molecular consequence: 5 prime UTR variant.
Genome position (GRCh38, 1-based): chr9:72,616,454, A>G. VCF-style: chr9-72616454-A-G. GRCh37 (hg19) VCF-style: chr9-75231370-A-G.
Identifiers: ClinVar variation 367250 (VCV000367250.6), dbSNP rs7026304, ClinGen allele CA10627521.